The following is an entry in ClinVar:

ClinVar aggregate classification (germline): Uncertain significance (1 of 4 stars; one submission).

Allele frequency attached by ClinVar (database versions not stated): gnomAD exomes 0.00001.
gnomAD v4.1: 8 of 1,613,816 alleles (0.0005%); highest among the groups gnomAD compares: Non-Finnish European, 0.00068%; no homozygotes.

Submission:

GeneDx
Classification: Uncertain significance. Last evaluated: 2021-08-03. Review status: criteria provided, single submitter. Criteria: GeneDx Variant Classification Process June 2021. Collection method: clinical testing. Allele origin: germline. Affected: yes.
Comment: Not observed in large population cohorts (Lek et al., 2016); In silico analysis supports that this missense variant does not alter protein structure/function; Has not been previously published as pathogenic or benign to our knowledge

NM_001270.4(CHD1):c.2092G>A (p.Val698Ile)

Gene: CHD1 (chromodomain helicase DNA binding protein 1; minus strand). Cytogenetic location: 5q15.
Variant type: single nucleotide variant.
Coding change: c.2092G>A on transcript NM_001270.4 (MANE Select); coding-DNA position 2092, G replaced by A.
Protein change: p.Val698Ile; replaces valine 698 with isoleucine.
Molecular consequence: missense variant. On other transcripts: non-coding transcript variant (2).
Genome position (GRCh38, 1-based): chr5:98,892,613, C>T on the plus strand (G>A on the coding strand, the complement: CHD1 is on the minus strand). VCF-style: chr5-98892613-C-T. GRCh37 (hg19) VCF-style: chr5-98228317-C-T.
Other names: c.2092G>A, p.Val698Ile (NM_001364113.3, NM_001376194.2); short protein forms V698I.
Identifiers: ClinVar variation 1314073 (VCV001314073.2), dbSNP rs2112472402, ClinGen allele CA360515821.